The following is an entry in ClinVar:

NM_000057.4(BLM):c.1135A>G (p.Ile379Val)

Gene: BLM (BLM RecQ like helicase; plus strand). Cytogenetic location: 15q26.1.
Variant type: single nucleotide variant.
Coding change: c.1135A>G on transcript NM_000057.4 (MANE Select); coding-DNA position 1135, A replaced by G.
Protein change: p.Ile379Val; replaces isoleucine 379 with valine.
Molecular consequence: missense variant.
Genome position (GRCh38, 1-based): chr15:90,760,194, A>G. VCF-style: chr15-90760194-A-G. GRCh37 (hg19) VCF-style: chr15-91303424-A-G.
Other names: c.1135A>G, p.Ile379Val (NM_001287246.2, NM_001287247.2); c.10A>G, p.Ile4Val (NM_001287248.2); short protein forms I379V, I4V.
Identifiers: ClinVar variation 941493 (VCV000941493.10), dbSNP rs1895933431, ClinGen allele CA393842387.

ClinVar aggregate classification (germline): Uncertain significance (1 of 4 stars; one submission).

Conditions:
Bloom syndrome (BLM). Also called: Bloom-Torre-Machacek syndrome. Identifiers: Orphanet 125, MedGen C0005859, MONDO:0008876, OMIM 210900.

Submission:

Labcorp Genetics (formerly Invitae), Labcorp
Classification: Uncertain significance for Bloom syndrome. Last evaluated: 2019-09-08. Review status: criteria provided, single submitter. Criteria: Invitae Variant Classification Sherloc (09022015). Collection method: clinical testing. Allele origin: germline.
Comment: In summary, the available evidence is currently insufficient to determine the role of this variant in disease. Therefore, it has been classified as a Variant of Uncertain Significance. Algorithms developed to predict the effect of sequence changes on RNA splicing suggest that this variant may create or strengthen a splice site, but this prediction has not been confirmed by published transcriptional studies. Algorithms developed to predict the effect of missense changes on protein structure and function are either unavailable or do not agree on the potential impact of this missense change (SIFT: "Tolerated"; PolyPhen-2: "Probably Damaging"; Align-GVGD: "Class C0"). This variant has not been reported in the literature in individuals with BLM-related conditions. This variant is not present in population databases (ExAC no frequency). This sequence change replaces isoleucine with valine at codon 379 of the BLM protein (p.Ile379Val). The isoleucine residue is moderately conserved and there is a small physicochemical difference between isoleucine and valine.